The following is an entry in ClinVar:

NM_020207.7(ERCC6L2):c.1823C>G (p.Ala608Gly)

Gene: ERCC6L2 (ERCC excision repair 6 like 2; plus strand). Cytogenetic location: 9q22.32.
Variant type: single nucleotide variant.
Coding change: c.1823C>G on transcript NM_020207.7 (MANE Select); coding-DNA position 1823, C replaced by G.
Protein change: p.Ala608Gly; replaces alanine 608 with glycine.
Molecular consequence: missense variant. On other transcripts: non-coding transcript variant (1).
Genome position (GRCh38, 1-based): chr9:95,941,525, C>G. VCF-style: chr9-95941525-C-G. GRCh37 (hg19) VCF-style: chr9-98703807-C-G.
Other names: c.1823C>G, p.Ala608Gly (NM_001010895.4, NM_001375291.1, NM_001375292.1 and 2 more transcripts); short protein forms A608G.
Identifiers: ClinVar variation 4618755 (VCV004618755.1).

ClinVar aggregate classification (germline): Uncertain significance (1 of 4 stars; one submission).

Conditions:
Inborn genetic diseases. Identifiers: MedGen C0950123, MeSH D030342.

Submission:

Ambry Genetics
Classification: Uncertain significance for Inborn genetic diseases. Last evaluated: 2025-11-08. Review status: criteria provided, single submitter. Criteria: Ambry Variant Classification Scheme 2023. Collection method: clinical testing. Allele origin: germline.
Comment: The p.A608G variant (also known as c.1823C>G), located in coding exon 12 of the ERCC6L2 gene, results from a C to G substitution at nucleotide position 1823. The alanine at codon 608 is replaced by glycine, an amino acid with similar properties. This amino acid position is conserved. In addition, the in silico prediction for this alteration is inconclusive. Based on the available evidence, the clinical significance of this variant remains unclear.